The following is an entry in ClinVar:

ClinVar aggregate classification (germline): Uncertain significance (1 of 4 stars; one submission).

Conditions:
Familial sleep-related hypermotor epilepsy. Also called: Autosomal Dominant Sleep-Related Hypermotor (Hyperkinetic) Epilepsy. Identifiers: Orphanet 98784, MedGen C3696898, MONDO:0000030.

Submission:

Labcorp Genetics (formerly Invitae), Labcorp
Classification: Uncertain significance. Last evaluated: 2022-09-07. Review status: criteria provided, single submitter. Criteria: Invitae Variant Classification Sherloc (09022015). Collection method: clinical testing. Allele origin: germline.
Comment: This missense change has been observed in at least one individual who was not affected with CHRNA4-related conditions (Invitae). In summary, the available evidence is currently insufficient to determine the role of this variant in disease. Therefore, it has been classified as a Variant of Uncertain Significance. Algorithms developed to predict the effect of missense changes on protein structure and function are either unavailable or do not agree on the potential impact of this missense change (SIFT: "Tolerated"; PolyPhen-2: "Possibly Damaging"; Align-GVGD: "Class C0"). This variant has not been reported in the literature in individuals affected with CHRNA4-related conditions. This variant is not present in population databases (gnomAD no frequency). This sequence change replaces glutamic acid, which is acidic and polar, with lysine, which is basic and polar, at codon 436 of the CHRNA4 protein (p.Glu436Lys).

NM_000744.7(CHRNA4):c.1306G>A (p.Glu436Lys)

Gene: CHRNA4 (cholinergic receptor nicotinic alpha 4 subunit; minus strand). Cytogenetic location: 20q13.33.
Variant type: single nucleotide variant.
Coding change: c.1306G>A on transcript NM_000744.7 (MANE Select); coding-DNA position 1306, G replaced by A.
Protein change: p.Glu436Lys; replaces glutamic acid 436 with lysine.
Molecular consequence: missense variant. On other transcripts: non-coding transcript variant (1).
Genome position (GRCh38, 1-based): chr20:63,350,105, C>T on the plus strand (G>A on the coding strand, the complement: CHRNA4 is on the minus strand). VCF-style: chr20-63350105-C-T. GRCh37 (hg19) VCF-style: chr20-61981457-C-T.
Other names: c.778G>A, p.Glu260Lys (NM_001256573.2); short protein forms E260K, E436K.
Identifiers: ClinVar variation 2015978 (VCV002015978.4), dbSNP rs2516538890, ClinGen allele CA409633900.
Genomic context (GRCh38, chr20:63,350,105, plus strand): 5'-GGGTGCCGTGGGGCGGGCGGCAGGGTCCAGGCGAGGGGTGGGGGCTGGCTTTCTCAGCTT[C>T]CAGGGGCTGCTGAGGAGGGAGCTGGTCGGAGGGTGACTTGCAGGAAGGCCCAGGCTCAGC-3'
Protein context (NP_000735.1, residues 426-446): SDQLPPQQPL[Glu436Lys]AEKASPHPSP